The following is an entry in ClinVar:

NM_001039500.3(VWA5B1):c.1485C>T (p.Asn495=)

Gene: VWA5B1 (von Willebrand factor A domain containing 5B1; plus strand). Cytogenetic location: 1p36.12.
Variant type: single nucleotide variant.
Coding change: c.1485C>T on transcript NM_001039500.3 (MANE Select); coding-DNA position 1485, C replaced by T.
Protein change: p.Asn495=; no amino-acid change (asparagine 495 retained).
Molecular consequence: synonymous variant.
Genome position (GRCh38, 1-based): chr1:20,330,896, C>T. VCF-style: chr1-20330896-C-T. GRCh37 (hg19) VCF-style: chr1-20657389-C-T.
Other names: c.1170C>T, p.Asn390= (NM_001377531.1).
Identifiers: ClinVar variation 2638434 (VCV002638434.24), dbSNP rs372275354, ClinGen allele CA659381.

ClinVar aggregate classification (germline): Likely benign (1 of 4 stars; one submission).

Allele frequency attached by ClinVar (database versions not stated): gnomAD exomes 0.00040; gnomAD 0.00042; ESP Exome Variant Server 0.00044; TOPMed 0.00046; ExAC 0.00157.
gnomAD v4.1: 669 of 1,551,756 alleles (0.043%); highest among the groups gnomAD compares: Middle Eastern, 0.083%; 3 homozygotes.

Submission:

CeGaT Center for Human Genetics Tuebingen
Classification: Likely benign. Last evaluated: 2023-03-01. Review status: criteria provided, single submitter. Criteria: CeGaT Center For Human Genetics Tuebingen Variant Classification Criteria Version 2. Collection method: clinical testing. Allele origin: germline. Affected: yes. Observed: 1 variant allele.
Comment: VWA5B1: BP4, BP7